The following is an entry in ClinVar:

ClinVar aggregate classification (germline): Conflicting classifications of pathogenicity. Review status: criteria provided, conflicting classifications (1 of 4 stars). 9 submissions from 9 submitters: Pathogenic (1); Uncertain significance (7); Likely benign (1). Last evaluated 2026-06-18.

Conditions:
HSD17B3-related disorder. Also called: HSD17B3-related condition.
Testosterone 17-beta-dehydrogenase deficiency. Also called: 17 alpha ketosteroid reductase deficiency of testis; 17 alpha KSR deficiency; Neutral 17 beta hydroxysteroid oxidoreductase deficiency; Male pseudoherma-phroditism with gynecomastia; 17-beta hydroxysteroid dehydrogenase 3 deficiency; 46,XY disorder of sex development due to 17-beta-hydroxysteroid dehydrogenase 3 deficiency. Identifiers: Orphanet 752, MedGen C0268296, MONDO:0009916, OMIM 264300. Disease mechanism: loss of function.

Allele frequency attached by ClinVar (database versions not stated): 1000 Genomes Project 30x 0.00047; 1000 Genomes Project 0.00060; gnomAD exomes 0.00180; gnomAD 0.00181 and 0.00200; ExAC 0.00194; TOPMed 0.00202; ESP Exome Variant Server 0.00308.
gnomAD v4.1: 5,395 of 1,613,978 alleles (0.33%); highest among the groups gnomAD compares: Non-Finnish European, 0.43%; 15 homozygotes.

Submissions (9):

PreventionGenetics, part of Exact Sciences
Classification: Uncertain significance for HSD17B3-related condition. Last evaluated: 2026-06-18. Review status: criteria provided, single submitter. Criteria: ACMG Guidelines, 2015. Collection method: clinical testing. Allele origin: germline.
Comment: The HSD17B3 c.133C>T variant is predicted to result in the amino acid substitution p.Arg45Trp. This variant was reported in the compound heterozygous state in two individuals with hypospadias/ambiguous genitalia (Table S1, Eggers et al 2016. PubMed ID: 27899157; Table 3, Hughes et al 2019. PubMed ID: 30668521). This variant was also reported in two control individuals (Ea et al. 2021. PubMed ID: 33468338). In ClinVar, this variant has interpretations ranging from likely benign to pathogenic (ClinVar Variation ID: 708567). This variant is reported in 0.34% of alleles in individuals of European (Non-Finnish) descent in gnomAD. In gnomAD v4 (available only on GRCh38) this variant has been reported in 15 homozygotes, which is not consistent with this variant being a primary cause of disease. Although we suspect that this variant may be benign, at this time, the clinical significance of this variant is uncertain due to the absence of conclusive functional and genetic evidence.

Labcorp Genetics (formerly Invitae), Labcorp
Classification: Likely benign. Last evaluated: 2026-01-28. Review status: criteria provided, single submitter. Criteria: Invitae Variant Classification Sherloc (09022015). Collection method: clinical testing. Allele origin: germline.

Victorian Clinical Genetics Services, Murdoch Childrens Research Institute
Classification: Uncertain significance for Testosterone 17-beta-dehydrogenase deficiency. Last evaluated: 2025-06-11. Review status: criteria provided, single submitter. Criteria: ACMG Guidelines, 2015. Collection method: clinical testing. Allele origin: germline. Affected: yes.
Comment: This variant is classified as VUS-3A. Evidence in support of pathogenic classification: Variant is present in gnomAD <0.01 for a recessive condition (v4: 5365 heterozygote(s), 15 homozygote(s)). Eight of the homozygotes have an XY karyotype; This variant has strong previous evidence of pathogenicity in unrelated individuals. This variant has been classified as pathogenic by a clinical laboratory in ClinVar, as well as VUS entries. It has also been reported in the literature at least seven individuals in a homozygous or compound heterozygous state (PMIDs: 27899157, 30668521, 33468338, 36606580). Additional information: Variant is predicted to result in a missense amino acid change from arginine to tryptophan; This gene is associated with autosomal recessive disease; An alternative amino acid change at the same position has been observed in gnomAD (v2: 11 heterozygotes, 0 homozygotes); No published functional evidence has been identified for this variant; No comparable missense variants have previous evidence for pathogenicity; Variant is not located in an established domain, motif, hotspot or informative constraint region; Missense variant with conflicting in silico predictions and uninformative conservation; Loss of function is a known mechanism of disease in this gene and is associated with male pseudohermaphroditism with gynecomastia (MIM#264300); This variant has been shown to be both maternally and paternally inherited (biallelic).

GeneDx
Classification: Pathogenic. Last evaluated: 2025-04-18. Review status: criteria provided, single submitter. Criteria: GeneDx Variant Classification Process June 2021. Collection method: clinical testing. Allele origin: germline. Affected: yes.
Comment: In silico analysis supports that this missense variant has a deleterious effect on protein structure/function; This variant is associated with the following publications: (PMID: 27899157, 34426522, 33503178, 33468338, 30668521, 36606580, 39868451)

Blueprint Genetics
Classification: Uncertain significance. Last evaluated: 2024-11-20. Review status: criteria provided, single submitter. Criteria: ACMG Guidelines, 2015. Collection method: clinical testing. Allele origin: germline.

Pittsburgh Clinical Genomics Laboratory, University of Pittsburgh Medical Center
Classification: Uncertain significance for Testosterone 17-beta-dehydrogenase deficiency. Last evaluated: 2024-02-06. Review status: criteria provided, single submitter. Criteria: ACMG Guidelines, 2015. Collection method: clinical testing. Allele origin: germline. Inheritance: Autosomal recessive inheritance. Affected: yes.
Comment: This sequence variant is a single nucleotide substitution (C>T) at position 133 of the coding sequence of the HSD17B3 gene that results in an arginine to tryptophan amino acid change at residue 45 of the hydroxysteroid 17-beta dehydrogenase 3 protein. This is a previously reported variant (ClinVar 708567) that has been observed in individuals affected by disorders of sex development (PMID: 36606580, 30668521, 33468338, 27899157). This variant is present in 5395 of 1613978 alleles (0.3343%) in the gnomAD v4.0.0 population dataset. Bioinformatic tools are inconclusive if this amino acid change will be damaging or tolerated, and the Arg45 residue at this position is not well conserved across the vertebrate species examined. Studies examining the functional consequence of this variant have not been published, to our knowledge. At this time, there is insufficient evidence to determine if this variant is pathogenic or benign. Therefore, we consider this a variant of uncertain significance. ACMG Criteria: PP2

Department of Pathology and Laboratory Medicine, Sinai Health System
Classification: Uncertain significance for Testosterone 17-beta-dehydrogenase deficiency. Last evaluated: 2023-03-30. Review status: criteria provided, single submitter. Criteria: ACMG Guidelines, 2015. Collection method: research. Allele origin: germline.

Centre of Medical Genetics, University Hospital Muenster
Classification: Uncertain significance. Last evaluated: 2023-02-13. Review status: criteria provided, single submitter. Criteria: ACMG Guidelines, 2015. Collection method: clinical testing. Allele origin: unknown. Affected: yes. Observed: 1 variant allele, 1 heterozygote.
Comment: ACMG categories: PM2,PP2,BP1

Illumina Laboratory Services, Illumina
Classification: Uncertain significance for Testosterone 17-beta-dehydrogenase deficiency. Last evaluated: 2018-01-13. Review status: criteria provided, single submitter. Criteria: ICSL Variant Classification Criteria 13 December 2019. Collection method: clinical testing. Allele origin: germline.

Literature cited by the submitters: PubMed 27899157 (cited by Victorian Clinical Genetics Services, Murdoch Childrens Research Institute and Pittsburgh Clinical Genomics Laboratory, University of Pittsburgh Medical Center); PubMed 30668521 (cited by 3 submitters); PubMed 36606580 (cited by 3 submitters); PubMed 33468338 (cited by Victorian Clinical Genetics Services, Murdoch Childrens Research Institute and Pittsburgh Clinical Genomics Laboratory, University of Pittsburgh Medical Center); PubMed 3066852 (cited by Centre of Medical Genetics, University Hospital Muenster).

NM_000197.2(HSD17B3):c.133C>T (p.Arg45Trp)

Genes: HSD17B3 (hydroxysteroid 17-beta dehydrogenase 3; minus strand), SLC35D2-HSD17B3 (SLC35D2-HSD17B3 readthrough; minus strand). Cytogenetic location: 9q22.32.
Variant type: single nucleotide variant.
Coding change: c.133C>T on transcript NM_000197.2 (MANE Select); coding-DNA position 133, C replaced by T.
Protein change: p.Arg45Trp; replaces arginine 45 with tryptophan.
Molecular consequence: missense variant.
Genome position (GRCh38, 1-based): chr9:96,301,972, G>A on the plus strand (C>T on the coding strand, the complement: HSD17B3 is on the minus strand). VCF-style: chr9-96301972-G-A. GRCh37 (hg19) VCF-style: chr9-99064254-G-A.
Other names: short protein forms R45W.
Identifiers: ClinVar variation 708567 (VCV000708567.31), dbSNP rs139084702, ClinGen allele CA5140546.
Genomic context (GRCh38, chr9:96,301,972, plus strand): 5'-AACAGCAGCAAAAAAACATGAGATGGAACACTCCCTTACCTGCCCACTGTCCCATTGACC[G>A]CAAGAAAGACTTTGGCAAAACTTTCCAGTAGTTCAGTAAAACACATCTGGAGAATCTCAC-3'
Protein context (NP_000188.1, residues 35-55): YWKVLPKSFL[Arg45Trp]SMGQWAVITG